The following is an entry in ClinVar:

ClinVar aggregate classification (germline): Uncertain significance (1 of 4 stars; one submission).

Conditions:
Cardiovascular phenotype. Identifiers: MedGen CN230736.

Allele frequency attached by ClinVar (database versions not stated): gnomAD exomes below 0.00001; ExAC 0.00001; gnomAD 0.00001; TOPMed 0.00003.

Submission:

Ambry Genetics
Classification: Uncertain significance for Cardiovascular phenotype. Last evaluated: 2020-12-22. Review status: criteria provided, single submitter. Criteria: Ambry Variant Classification Scheme 2023. Collection method: clinical testing. Allele origin: germline.
Comment: The p.A14V variant (also known as c.41C>T), located in coding exon 1 of the DOLK gene, results from a C to T substitution at nucleotide position 41. The alanine at codon 14 is replaced by valine, an amino acid with similar properties. This amino acid position is not well conserved in available vertebrate species, and valine is the reference amino acid in other vertebrate species. In addition, this alteration is predicted to be tolerated by in silico analysis. Since supporting evidence is limited at this time, the clinical significance of this alteration remains unclear.

NM_014908.4(DOLK):c.41C>T (p.Ala14Val)

Gene: DOLK (dolichol kinase; minus strand). Cytogenetic location: 9q34.11.
Variant type: single nucleotide variant.
Coding change: c.41C>T on transcript NM_014908.4 (MANE Select); coding-DNA position 41, C replaced by T.
Protein change: p.Ala14Val; replaces alanine 14 with valine.
Molecular consequence: missense variant.
Genome position (GRCh38, 1-based): chr9:128,947,263, G>A on the plus strand (C>T on the coding strand, the complement: DOLK is on the minus strand). VCF-style: chr9-128947263-G-A. GRCh37 (hg19) VCF-style: chr9-131709542-G-A.
Other names: short protein forms A14V.
Identifiers: ClinVar variation 1738642 (VCV001738642.2), dbSNP rs757340354, ClinGen allele CA5271806.
Genomic context (GRCh38, chr9:128,947,263, plus strand): 5'-ATGCTCAGCACCACTGCAAACACTACTGCCGCCTCTGCCAGCACCGATCCACTCAGCGGA[G>A]CCCCAGGCCCCGGGGCCGGAGATGGGCACTCTCGGGTCATATCTCTAGACCTGGGGCTTC-3'
Protein context (NP_055723.1, residues 4-24): ECPSPAPGPG[Ala14Val]PLSGSVLAEA